The following is an entry in ClinVar:

ClinVar aggregate classification (germline): Benign. Review status: criteria provided, multiple submitters, no conflicts (2 of 4 stars). 2 submissions from 2 submitters: Benign (2). Last evaluated 2018-06-18.

Allele frequency attached by ClinVar (database versions not stated): 1000 Genomes Project 30x 0.37492; TOPMed 0.31204; 1000 Genomes Project 0.37819; gnomAD 0.31018.

Submissions (2):

GeneDx
Classification: Benign. Last evaluated: 2018-06-18. Review status: criteria provided, single submitter. Criteria: GeneDx Variant Classification (06012015). Collection method: clinical testing. Allele origin: germline. Affected: yes.
Comment: This variant is considered likely benign or benign based on one or more of the following criteria: it is a conservative change, it occurs at a poorly conserved position in the protein, it is predicted to be benign by multiple in silico algorithms, and/or has population frequency not consistent with disease.

Breakthrough Genomics
Classification: Benign. Review status: criteria provided, single submitter. Criteria: ACMG Guidelines, 2015. Collection method: not provided. Allele origin: germline. Inheritance: Autosomal recessive inheritance. Affected: yes.

NM_020778.4(ALPK3):c.-74A>C

Gene: ALPK3 (alpha kinase 3; plus strand). Cytogenetic location: 15q25.3.
Variant type: single nucleotide variant.
Coding change: c.-74A>C on transcript NM_020778.4; 74 bases upstream of the start codon, A replaced by C.
Genome position (GRCh38, 1-based): chr15:84,816,773, A>C. VCF-style: chr15-84816773-A-C. GRCh37 (hg19) VCF-style: chr15-85360004-A-C.
Identifiers: ClinVar variation 678475 (VCV000678475.4), dbSNP rs55736017, ClinGen allele CA14087956.
Genomic context (GRCh38, chr15:84,816,773, plus strand): 5'-CTGAGAAATGGAGGCCGAAGGAGTGATCTAGAAGTGTTAATTGAGCCCCTAATCTATGCT[A>C]GTTACTGGGGGTGTTGGGGGAGACAGGAGAGAGATCCCACGGGGTTCCGGCCTCCCAGGG-3'